The following is an entry in ClinVar:

NM_000258.3(MYL3):c.129+5G>T

Gene: MYL3 (myosin light chain 3; minus strand). Cytogenetic location: 3p21.31.
Variant type: single nucleotide variant.
Coding change: c.129+5G>T on transcript NM_000258.3 (MANE Select); 5 bases into the intron after coding-DNA position 129, G replaced by T.
Molecular consequence: intron variant.
Genome position (GRCh38, 1-based): chr3:46,863,257, C>A on the plus strand (G>T on the coding strand, the complement: MYL3 is on the minus strand). VCF-style: chr3-46863257-C-A. GRCh37 (hg19) VCF-style: chr3-46904747-C-A.
Other names: c.129+5G>T (NM_001406939.1, NM_001406938.1, NM_001406937.1).
Identifiers: ClinVar variation 3614402 (VCV003614402.2).

ClinVar aggregate classification (germline): Uncertain significance (1 of 4 stars; one submission).

Conditions:
Hypertrophic cardiomyopathy. Also called: HYPERTROPHIC MYOCARDIOPATHY. Identifiers: Orphanet 217569, MedGen C0007194, MeSH D002312, MONDO:0005045, HP:0001639.

Submission:

Labcorp Genetics (formerly Invitae), Labcorp
Classification: Uncertain significance for Hypertrophic cardiomyopathy. Last evaluated: 2024-04-13. Review status: criteria provided, single submitter. Criteria: Invitae Variant Classification Sherloc (09022015). Collection method: clinical testing. Allele origin: germline.
Comment: This sequence change falls in intron 1 of the MYL3 gene. It does not directly change the encoded amino acid sequence of the MYL3 protein. It affects a nucleotide within the consensus splice site. This variant is not present in population databases (gnomAD no frequency). This variant has not been reported in the literature in individuals affected with MYL3-related conditions. Variants that disrupt the consensus splice site are a relatively common cause of aberrant splicing (PMID: 17576681, 9536098). Algorithms developed to predict the effect of sequence changes on RNA splicing suggest that this variant is not likely to affect RNA splicing. In summary, the available evidence is currently insufficient to determine the role of this variant in disease. Therefore, it has been classified as a Variant of Uncertain Significance.

Literature cited by the submitters: PubMed 17576681; PubMed 9536098.